The following is an entry in ClinVar:

ClinVar aggregate classification (germline): Uncertain significance (1 of 4 stars; one submission).

Conditions:
Glycogen storage disease IXd (GSD9D). Also called: GSD IXd; Muscle Phosphorylase Kinase Deficiency. Identifiers: Orphanet 715, MedGen C1845151, MONDO:0010362, OMIM 300559.

gnomAD v4.1: 1 of 1,180,055 alleles (0.000085%); highest among the groups gnomAD compares: Admixed American, 0.0022%; no homozygotes.

Submission:

Labcorp Genetics (formerly Invitae), Labcorp
Classification: Uncertain significance for Glycogen storage disease IXd. Last evaluated: 2024-09-28. Review status: criteria provided, single submitter. Criteria: Invitae Variant Classification Sherloc (09022015). Collection method: clinical testing. Allele origin: germline.
Comment: This sequence change replaces lysine, which is basic and polar, with asparagine, which is neutral and polar, at codon 1167 of the PHKA1 protein (p.Lys1167Asn). This variant is present in population databases (rs782682520, gnomAD 0.004%). This variant has not been reported in the literature in individuals affected with PHKA1-related conditions. An algorithm developed to predict the effect of missense changes on protein structure and function (PolyPhen-2) suggests that this variant is likely to be tolerated. In summary, the available evidence is currently insufficient to determine the role of this variant in disease. Therefore, it has been classified as a Variant of Uncertain Significance.

NM_002637.4(PHKA1):c.3501A>C (p.Lys1167Asn)

Gene: PHKA1 (phosphorylase kinase regulatory subunit alpha 1; minus strand). Cytogenetic location: Xq13.1.
Variant type: single nucleotide variant.
Coding change: c.3501A>C on transcript NM_002637.4 (MANE Select); coding-DNA position 3501, A replaced by C.
Protein change: p.Lys1167Asn; replaces lysine 1167 with asparagine.
Molecular consequence: missense variant.
Genome position (GRCh38, 1-based): chrX:72,581,173, T>G on the plus strand (A>C on the coding strand, the complement: PHKA1 is on the minus strand). VCF-style: chrX-72581173-T-G. GRCh37 (hg19) VCF-style: chrX-71801023-T-G.
Other names: c.3462A>C, p.Lys1154Asn (NM_001122670.2); c.3285A>C, p.Lys1095Asn (NM_001172436.2); c.3552A>C, p.Lys1184Asn (NM_001431068.1); short protein forms K1184N, K1167N, K1095N, K1154N.
Identifiers: ClinVar variation 3676791 (VCV003676791.2).